The following is an entry in ClinVar:

NM_024675.4(PALB2):c.2598T>G (p.Gly866=)

Gene: PALB2 (partner and localizer of BRCA2; minus strand). Cytogenetic location: 16p12.2.
Variant type: single nucleotide variant.
Coding change: c.2598T>G on transcript NM_024675.4 (MANE Select); coding-DNA position 2598, T replaced by G.
Protein change: p.Gly866=; no amino-acid change (glycine 866 retained).
Molecular consequence: synonymous variant. On other transcripts: intron variant (3).
Genome position (GRCh38, 1-based): chr16:23,626,386, A>C on the plus strand (T>G on the coding strand, the complement: PALB2 is on the minus strand). VCF-style: chr16-23626386-A-C. GRCh37 (hg19) VCF-style: chr16-23637707-A-C.
Other names: c.2538T>G, p.Gly846= (NM_001407296.1); c.2526T>G, p.Gly842= (NM_001407297.1); c.2598T>G, p.Gly866= (NM_001407299.1, NM_001407300.1, NM_001407301.1); c.1713T>G, p.Gly571= (NM_001407304.1, NM_001407305.1, NM_001407306.1 and 4 more transcripts); c.810T>G, p.Gly270= (NM_001407312.1, NM_001407313.1); c.132T>G, p.Gly44= (NM_001407314.1); c.2587-2292T>G (NM_001407302.1, NM_001407298.1); c.1702-2292T>G (NM_001407307.1).
Identifiers: ClinVar variation 4533156 (VCV004533156.1).

ClinVar aggregate classification (germline): Uncertain significance (1 of 4 stars; one submission).

Submission:

Quest Diagnostics Nichols Institute San Juan Capistrano
Classification: Uncertain significance. Last evaluated: 2025-02-12. Review status: criteria provided, single submitter. Criteria: Quest Diagnostics criteria. Collection method: clinical testing. Allele origin: unknown.
Comment: The PALB2 c.2598T>G (p.Gly866=) synonymous variant has not been reported in individuals with PALB2-related conditions in the published literature. It also has not been reported in large, multi-ethnic general populations (Genome Aggregation Database). Analysis of this variant using software algorithms for the prediction of the effect of nucleotide changes on splicing yielded predictions that this variant does not affect PALB2 mRNA splicing. Based on the available information, we are unable to determine the clinical significance of this variant.